The following is an entry in ClinVar:

ClinVar aggregate classification (germline): Uncertain significance (1 of 4 stars; one submission).

Submission:

GeneDx
Classification: Uncertain significance. Last evaluated: 2026-10-23. Review status: criteria provided, single submitter. Criteria: GeneDx Variant Classification Process June 2021. Collection method: clinical testing. Allele origin: germline.
Comment: Not observed at significant frequency in large population cohorts (gnomAD); In silico analysis supports that this missense variant has a deleterious effect on protein structure/function; Has not been previously published as pathogenic or benign to our knowledge

NM_014975.3(MAST1):c.1917T>G (p.Phe639Leu)

Gene: MAST1 (microtubule associated serine/threonine kinase 1; plus strand). Cytogenetic location: 19p13.13.
Variant type: single nucleotide variant.
Coding change: c.1917T>G on transcript NM_014975.3 (MANE Select); coding-DNA position 1917, T replaced by G.
Protein change: p.Phe639Leu; replaces phenylalanine 639 with leucine.
Molecular consequence: missense variant.
Genome position (GRCh38, 1-based): chr19:12,865,990, T>G. VCF-style: chr19-12865990-T-G. GRCh37 (hg19) VCF-style: chr19-12976804-T-G.
Other names: short protein forms F639L.
Identifiers: ClinVar variation 2575593 (VCV002575593.2), dbSNP rs2512537737, ClinGen allele CA404274280.